The following is an entry in ClinVar:

NM_000147.5(FUCA1):c.969+5G>A

Gene: FUCA1 (alpha-L-fucosidase 1; minus strand). Cytogenetic location: 1p36.11.
Variant type: single nucleotide variant.
Coding change: c.969+5G>A on transcript NM_000147.5 (MANE Select); 5 bases into the intron after coding-DNA position 969, G replaced by A.
Molecular consequence: intron variant.
Genome position (GRCh38, 1-based): chr1:23,854,355, C>T on the plus strand (G>A on the coding strand, the complement: FUCA1 is on the minus strand). VCF-style: chr1-23854355-C-T. GRCh37 (hg19) VCF-style: chr1-24180845-C-T.
Identifiers: ClinVar variation 2150224 (VCV002150224.1), dbSNP rs115939152, ClinGen allele CA19327475.

ClinVar aggregate classification (germline): Uncertain significance (1 of 4 stars; one submission).

Conditions:
Fucosidosis. Also called: ALPHA-L-FUCOSIDASE DEFICIENCY. Identifiers: Orphanet 349, MedGen C0016788, MONDO:0009254, OMIM 230000.

gnomAD v4.1: 2 of 1,612,006 alleles (0.00012%); highest among the groups gnomAD compares: Non-Finnish European, 0.000085%; no homozygotes.

Submission:

Labcorp Genetics (formerly Invitae), Labcorp
Classification: Uncertain significance for Fucosidosis. Last evaluated: 2021-12-28. Review status: criteria provided, single submitter. Criteria: Invitae Variant Classification Sherloc (09022015). Collection method: clinical testing. Allele origin: germline.
Comment: This sequence change falls in intron 5 of the FUCA1 gene. It does not directly change the encoded amino acid sequence of the FUCA1 protein. It affects a nucleotide within the consensus splice site. This variant is not present in population databases (gnomAD no frequency). This variant has not been reported in the literature in individuals affected with FUCA1-related conditions. Variants that disrupt the consensus splice site are a relatively common cause of aberrant splicing (PMID: 17576681, 9536098). Algorithms developed to predict the effect of sequence changes on RNA splicing suggest that this variant may disrupt the consensus splice site. In summary, the available evidence is currently insufficient to determine the role of this variant in disease. Therefore, it has been classified as a Variant of Uncertain Significance.

Literature cited by the submitters: PubMed 17576681; PubMed 9536098.